The following is an entry in ClinVar:

ClinVar aggregate classification (germline): Uncertain significance (1 of 4 stars; one submission).

Conditions:
Developmental and epileptic encephalopathy 94 (DEE94). Also called: CHD2-Related Neurodevelopmental Disorders; Epileptic encephalopathy, childhood-onset. Identifiers: Orphanet 1942, Orphanet 2382, MedGen C3809278, MONDO:0014150, OMIM 615369.

Allele frequency attached by ClinVar (database versions not stated): TOPMed below 0.00001; ESP Exome Variant Server 0.00008.

Submission:

Labcorp Genetics (formerly Invitae), Labcorp
Classification: Uncertain significance for Developmental and epileptic encephalopathy 94. Last evaluated: 2022-12-21. Review status: criteria provided, single submitter. Criteria: Invitae Variant Classification Sherloc (09022015). Collection method: clinical testing. Allele origin: germline.
Comment: This sequence change replaces serine, which is neutral and polar, with cysteine, which is neutral and slightly polar, at codon 1686 of the CHD2 protein (p.Ser1686Cys). In summary, the available evidence is currently insufficient to determine the role of this variant in disease. Therefore, it has been classified as a Variant of Uncertain Significance. Advanced modeling of protein sequence and biophysical properties (such as structural, functional, and spatial information, amino acid conservation, physicochemical variation, residue mobility, and thermodynamic stability) performed at Invitae indicates that this missense variant is not expected to disrupt CHD2 protein function. This variant has not been reported in the literature in individuals affected with CHD2-related conditions. This variant is not present in population databases (gnomAD no frequency).

NM_001271.4(CHD2):c.5057C>G (p.Ser1686Cys)

Gene: CHD2 (chromodomain helicase DNA binding protein 2; plus strand). Cytogenetic location: 15q26.1.
Variant type: single nucleotide variant.
Coding change: c.5057C>G on transcript NM_001271.4 (MANE Select); coding-DNA position 5057, C replaced by G.
Protein change: p.Ser1686Cys; replaces serine 1686 with cysteine.
Molecular consequence: missense variant.
Genome position (GRCh38, 1-based): chr15:93,020,162, C>G. VCF-style: chr15-93020162-C-G. GRCh37 (hg19) VCF-style: chr15-93563392-C-G.
Other names: short protein forms S1686C.
Identifiers: ClinVar variation 2786423 (VCV002786423.3), dbSNP rs369105606, ClinGen allele CA274888421.